The following is an entry in ClinVar:

NM_001035.3(RYR2):c.14804G>C (p.Gly4935Ala)

Gene: RYR2 (ryanodine receptor 2; plus strand). Cytogenetic location: 1q43.
Variant type: single nucleotide variant.
Coding change: c.14804G>C on transcript NM_001035.3 (MANE Select); coding-DNA position 14804, G replaced by C.
Protein change: p.Gly4935Ala; replaces glycine 4935 with alanine.
Molecular consequence: missense variant.
Genome position (GRCh38, 1-based): chr1:237,831,561, G>C. VCF-style: chr1-237831561-G-C. GRCh37 (hg19) VCF-style: chr1-237994861-G-C.
Other names: p.G4935A:GGA>GCA; c.14804G>C, p.Gly4935Ala (LRG_402t1); short protein forms G4935A.
Identifiers: ClinVar variation 201362 (VCV000201362.2), dbSNP rs794728809, ClinGen allele CA008410.

ClinVar aggregate classification (germline): Likely pathogenic (1 of 4 stars; one submission).

Submission:

GeneDx
Classification: Likely pathogenic. Last evaluated: 2012-09-04. Review status: criteria provided, single submitter. Criteria: GeneDx Variant Classification (06012015). Collection method: clinical testing. Allele origin: germline. Affected: yes.
Comment: p.Gly4935Ala (GGA>GCA):c.14804 G>C in exon 104 of the RYR2 gene (NM_001035.2). The Gly4935Ala variant in the RYR2 gene has not been reported as a disease-causing mutation or as a benign polymorphism to our knowledge. However, a more significant amino acid substitution at the same codon (Gly4935Arg) has been reported in association with CPVT (Medeiros-Domingo A et al., 2009). Gly4935Ala results in a conservative substitution of one non-polar amino acid for another at a position that is conserved across species. In silico analysis predicts Gly4935Ala is probably damaging to the protein structure/function. In addition, the NHLBI ESP Exome Variant Server reports Gly4935Ala was not observed in approximately 6,000 samples from individuals of European and African American backgrounds, indicating it is not a common benign variant in these populations. In summary, while the Gly4935Ala variant in the RYR2 gene is likely a disease-causing mutation, the possibility it is a rare benign variant cannot be excluded. The variant is found in POSTMORTEM panel(s).